The following is an entry in ClinVar:

NM_004304.5(ALK):c.4542A>C (p.Lys1514Asn)

Gene: ALK (ALK receptor tyrosine kinase; minus strand). Cytogenetic location: 2p23.2.
Variant type: single nucleotide variant.
Coding change: c.4542A>C on transcript NM_004304.5 (MANE Select); coding-DNA position 4542, A replaced by C.
Protein change: p.Lys1514Asn; replaces lysine 1514 with asparagine.
Molecular consequence: missense variant.
Genome position (GRCh38, 1-based): chr2:29,193,545, T>G on the plus strand (A>C on the coding strand, the complement: ALK is on the minus strand). VCF-style: chr2-29193545-T-G. GRCh37 (hg19) VCF-style: chr2-29416411-T-G.
Other names: c.4542A>C (NM_004304.4); c.1338A>C, p.Lys446Asn (NM_001353765.2); short protein forms K1514N, K446N.
Identifiers: ClinVar variation 1345946 (VCV001345946.9), dbSNP rs2148137975, ClinGen allele CA346460867.

ClinVar aggregate classification (germline): Conflicting classifications of pathogenicity. Review status: criteria provided, conflicting classifications (1 of 4 stars). 2 submissions from 2 submitters: Uncertain significance (1); Likely benign (1). Last evaluated 2026-02-10.

Conditions:
Neuroblastoma, susceptibility to, 3. Also called: ALK-Related Neuroblastic Tumor Susceptibility. Identifiers: Orphanet 635, MedGen C2751681, MONDO:0013083, OMIM 613014.
Hereditary cancer-predisposing syndrome. Also called: Hereditary neoplastic syndrome; Tumor predisposition; Neoplastic Syndromes, Hereditary; Hereditary Cancer Syndrome. Identifiers: Orphanet 140162, MedGen C0027672, MeSH D009386, MONDO:0015356.

gnomAD v4.1: 1 of 1,614,206 alleles (0.000062%); highest among the groups gnomAD compares: South Asian, 0.0011%; no homozygotes.

Submissions (2):

Ambry Genetics
Classification: Likely benign for Hereditary cancer-predisposing syndrome. Last evaluated: 2026-02-10. Review status: criteria provided, single submitter. Criteria: Ambry Variant Classification Scheme 2023. Collection method: clinical testing. Allele origin: germline.

Labcorp Genetics (formerly Invitae), Labcorp
Classification: Uncertain significance for Neuroblastoma, susceptibility to, 3. Last evaluated: 2021-02-22. Review status: criteria provided, single submitter. Criteria: Invitae Variant Classification Sherloc (09022015). Collection method: clinical testing. Allele origin: germline.
Comment: In summary, the available evidence is currently insufficient to determine the role of this variant in disease. Therefore, it has been classified as a Variant of Uncertain Significance. Algorithms developed to predict the effect of missense changes on protein structure and function are either unavailable or do not agree on the potential impact of this missense change (SIFT: "Deleterious"; PolyPhen-2: "Benign"; Align-GVGD: "Class C0"). This variant has not been reported in the literature in individuals with ALK-related conditions. This variant is not present in population databases (ExAC no frequency). This sequence change replaces lysine with asparagine at codon 1514 of the ALK protein (p.Lys1514Asn). The lysine residue is highly conserved and there is a moderate physicochemical difference between lysine and asparagine.